The following is an entry in ClinVar:

ClinVar aggregate classification (germline): Uncertain significance (1 of 4 stars; one submission).

Conditions:
Congenital myasthenic syndrome 5. Identifiers: Orphanet 590, MedGen C1864233, MONDO:0011281, OMIM 603034.

gnomAD v4.1: 4 of 1,613,918 alleles (0.00025%); highest among the groups gnomAD compares: Non-Finnish European, 0.00034%; no homozygotes.

Submission:

Labcorp Genetics (formerly Invitae), Labcorp
Classification: Uncertain significance for Congenital myasthenic syndrome 5. Last evaluated: 2024-05-22. Review status: criteria provided, single submitter. Criteria: Invitae Variant Classification Sherloc (09022015). Collection method: clinical testing. Allele origin: germline.
Comment: This sequence change falls in intron 14 of the COLQ gene. It does not directly change the encoded amino acid sequence of the COLQ protein. This variant is present in population databases (rs745993482, gnomAD 0.0009%). This variant has not been reported in the literature in individuals affected with COLQ-related conditions. Algorithms developed to predict the effect of sequence changes on RNA splicing suggest that this variant may disrupt the consensus splice site. In summary, the available evidence is currently insufficient to determine the role of this variant in disease. Therefore, it has been classified as a Variant of Uncertain Significance.

NM_005677.4(COLQ):c.1075-11T>G

Gene: COLQ (collagen like tail subunit of asymmetric acetylcholinesterase; minus strand). Cytogenetic location: 3p25.1.
Variant type: single nucleotide variant.
Coding change: c.1075-11T>G on transcript NM_005677.4 (MANE Select); 11 bases into the intron before coding-DNA position 1075, T replaced by G.
Molecular consequence: intron variant.
Genome position (GRCh38, 1-based): chr3:15,456,030, A>C on the plus strand (T>G on the coding strand, the complement: COLQ is on the minus strand). VCF-style: chr3-15456030-A-C. GRCh37 (hg19) VCF-style: chr3-15497537-A-C.
Other names: c.973-11T>G (NM_080539.4); c.1045-11T>G (NM_080538.2).
Identifiers: ClinVar variation 3626601 (VCV003626601.2).